The following is an entry in ClinVar:

NM_004795.4(KL):c.1725T>G (p.Phe575Leu)

Gene: KL (klotho; plus strand). Cytogenetic location: 13q13.1.
Variant type: single nucleotide variant.
Coding change: c.1725T>G on transcript NM_004795.4 (MANE Select); coding-DNA position 1725, T replaced by G.
Protein change: p.Phe575Leu; replaces phenylalanine 575 with leucine.
Molecular consequence: missense variant.
Genome position (GRCh38, 1-based): chr13:33,060,804, T>G. VCF-style: chr13-33060804-T-G. GRCh37 (hg19) VCF-style: chr13-33634941-T-G.
Other names: short protein forms F575L.
Identifiers: ClinVar variation 1473479 (VCV001473479.6), dbSNP rs2138242351, ClinGen allele CA387794479.

ClinVar aggregate classification (germline): Uncertain significance (1 of 4 stars; one submission).

Allele frequency attached by ClinVar (database versions not stated): gnomAD exomes below 0.00001.
gnomAD v4.1: 1 of 1,614,250 alleles (0.000062%); highest among the groups gnomAD compares: Non-Finnish European, 0.000085%; no homozygotes.

Submission:

Labcorp Genetics (formerly Invitae), Labcorp
Classification: Uncertain significance. Last evaluated: 2024-05-17. Review status: criteria provided, single submitter. Criteria: Invitae Variant Classification Sherloc (09022015). Collection method: clinical testing. Allele origin: germline.
Comment: This sequence change replaces phenylalanine, which is neutral and non-polar, with leucine, which is neutral and non-polar, at codon 575 of the KL protein (p.Phe575Leu). This variant is not present in population databases (gnomAD no frequency). This variant has not been reported in the literature in individuals affected with KL-related conditions. ClinVar contains an entry for this variant (Variation ID: 1473479). Advanced modeling of protein sequence and biophysical properties (such as structural, functional, and spatial information, amino acid conservation, physicochemical variation, residue mobility, and thermodynamic stability) performed at Invitae indicates that this missense variant is not expected to disrupt KL protein function with a negative predictive value of 80%. In summary, the available evidence is currently insufficient to determine the role of this variant in disease. Therefore, it has been classified as a Variant of Uncertain Significance.